The following is an entry in ClinVar:

NM_005045.4(RELN):c.4630C>G (p.His1544Asp)

Gene: RELN (reelin; minus strand). Cytogenetic location: 7q22.1.
Variant type: single nucleotide variant.
Coding change: c.4630C>G on transcript NM_005045.4 (MANE Select); coding-DNA position 4630, C replaced by G.
Protein change: p.His1544Asp; replaces histidine 1544 with aspartic acid.
Molecular consequence: missense variant.
Genome position (GRCh38, 1-based): chr7:103,566,718, G>C on the plus strand (C>G on the coding strand, the complement: RELN is on the minus strand). VCF-style: chr7-103566718-G-C. GRCh37 (hg19) VCF-style: chr7-103207165-G-C.
Other names: c.4630C>G, p.His1544Asp (NM_173054.3); short protein forms H1544D.
Identifiers: ClinVar variation 1915285 (VCV001915285.6), dbSNP rs373010833, ClinGen allele CA368748587.
Genomic context (GRCh38, chr7:103,566,718, plus strand): 5'-GGTCAATGGAAATGATCTGTGGTTCCAGGAAGGACATGAAGTCCAACTCTCGAAGCAAAT[G>C]CCAGAGTATCCCATTGTCATTTGAATACTGAACAATAAGCCCTGAGTTAAAAGACATAAA-3'
Protein context (NP_005036.2, residues 1534-1554): QYSNDNGILW[His1544Asp]LLRELDFMSF

ClinVar aggregate classification (germline): Uncertain significance. Review status: criteria provided, multiple submitters, no conflicts (2 of 4 stars). 2 submissions from 2 submitters: Uncertain significance (2). Last evaluated 2026-01-13.

Conditions:
Norman-Roberts syndrome (LIS2). Also called: Lissencephaly 2 (Norman-Roberts type). Identifiers: Orphanet 89844, MedGen C0796089, MONDO:0009760, OMIM 257320.
Familial temporal lobe epilepsy 7. Identifiers: Orphanet 101046, MedGen C4225327, MONDO:0014639, OMIM 616436.
Inborn genetic diseases. Identifiers: MedGen C0950123, MeSH D030342.

gnomAD v4.1: 3 of 1,614,102 alleles (0.00019%); highest among the groups gnomAD compares: Admixed American, 0.005%; no homozygotes.

Submissions (2):

Labcorp Genetics (formerly Invitae), Labcorp
Classification: Uncertain significance for Familial temporal lobe epilepsy 7; Norman-Roberts syndrome. Last evaluated: 2026-01-13. Review status: criteria provided, single submitter. Criteria: Invitae Variant Classification Sherloc (09022015). Collection method: clinical testing. Allele origin: germline.
Comment: This sequence change replaces histidine, which is basic and polar, with aspartic acid, which is acidic and polar, at codon 1544 of the RELN protein (p.His1544Asp). This variant is present in population databases (no rsID available, gnomAD 0.009%). This variant has not been reported in the literature in individuals affected with RELN-related conditions. ClinVar contains an entry for this variant (Variation ID: 1915285). Invitae Evidence Modeling of protein sequence and biophysical properties (such as structural, functional, and spatial information, amino acid conservation, physicochemical variation, residue mobility, and thermodynamic stability) indicates that this missense variant is not expected to disrupt RELN protein function with a negative predictive value of 80%. In summary, the available evidence is currently insufficient to determine the role of this variant in disease. Therefore, it has been classified as a Variant of Uncertain Significance.

Ambry Genetics
Classification: Uncertain significance for Inborn genetic diseases. Last evaluated: 2021-08-16. Review status: criteria provided, single submitter. Criteria: Ambry Variant Classification Scheme 2023. Collection method: clinical testing. Allele origin: germline.